The following is an entry in ClinVar:

ClinVar aggregate classification (germline): Conflicting classifications of pathogenicity. Review status: criteria provided, conflicting classifications (1 of 4 stars). 6 submissions from 6 submitters: Uncertain significance (5); Benign (1). Last evaluated 2026-01-07.

Conditions:
PIEZO1-related disorder. Also called: PIEZO1-related condition; PIEZO1-Related Disorders.
Inborn genetic diseases. Identifiers: MedGen C0950123, MeSH D030342.
Lymphatic malformation 6 (LMPHM6). Also called: GENERALIZED LYMPHATIC DYSPLASIA OF FOTIOU; PIEZO1-related generalized lymphatic dysplasia with non-immune hydrops fetalis; Lymphedema, hereditary, III. Identifiers: Orphanet 568062, MedGen C4225184, MONDO:0014797, OMIM 616843.

Allele frequency attached by ClinVar (database versions not stated): TOPMed 0.00003; gnomAD exomes 0.00004; gnomAD 0.00006; ExAC 0.00011; 1000 Genomes Project 30x 0.00047; 1000 Genomes Project 0.00060.
gnomAD v4.1: 63 of 1,549,294 alleles (0.0041%); highest among the groups gnomAD compares: Middle Eastern, 0.017%; no homozygotes.

Submissions (6):

PreventionGenetics, part of Exact Sciences
Classification: Uncertain significance for PIEZO1-related condition. Last evaluated: 2026-01-07. Review status: criteria provided, single submitter. Criteria: ACMG Guidelines, 2015. Collection method: clinical testing. Allele origin: germline.
Comment: The PIEZO1 c.6827C>T variant is predicted to result in the amino acid substitution p.Ala2276Val. To our knowledge, this variant has not been reported in the literature. This variant is reported in 0.018% of alleles in individuals of African descent in gnomAD. At this time, the clinical significance of this variant is uncertain due to the absence of conclusive functional and genetic evidence.

Labcorp Genetics (formerly Invitae), Labcorp
Classification: Benign. Last evaluated: 2024-03-16. Review status: criteria provided, single submitter. Criteria: Invitae Variant Classification Sherloc (09022015). Collection method: clinical testing. Allele origin: germline.

ARUP Laboratories, Molecular Genetics and Genomics, ARUP Laboratories
Classification: Uncertain significance. Last evaluated: 2024-01-25. Review status: criteria provided, single submitter. Criteria: ARUP Molecular Germline Variant Investigation Process 2024. Collection method: clinical testing. Allele origin: germline.

Clinical Genomics Laboratory, Washington University in St. Louis
Classification: Uncertain significance for Lymphatic malformation 6. Last evaluated: 2024-01-11. Review status: criteria provided, single submitter. Criteria: ACMG Guidelines, 2015. Collection method: clinical testing. Allele origin: germline.
Comment: The PIEZO1 c.6827C>T (p.Ala2276Val) variant was identified at a heterozygous allele fraction of 50%, a frequency which may be consistent with it being of germline origin. Computational predictors suggest that the variant does not impact PIEZO1 function. This variant is only observed on 63/1,549,294 alleles in the general population (gnomAD v4.0.0), indicating it is not a common variant. Due to conflicting information, and based on ACMG/AMP guidelines for variant interpretation (Richards S et al., PMID: 25741868), the clinical significance of the PIEZO1 c.6827C>T (p.Ala2276Val) variant is uncertain at this time.

Mayo Clinic Laboratories, Mayo Clinic
Classification: Uncertain significance. Last evaluated: 2023-07-20. Review status: criteria provided, single submitter. Criteria: ACMG Guidelines, 2015. Collection method: clinical testing. Allele origin: germline. Observed: 1 variant allele.
Comment: BP4, PM2_moderate

Ambry Genetics
Classification: Uncertain significance for Inborn genetic diseases. Last evaluated: 2022-12-05. Review status: criteria provided, single submitter. Criteria: Ambry Variant Classification Scheme 2023. Collection method: clinical testing. Allele origin: germline.

NM_001142864.4(PIEZO1):c.6827C>T (p.Ala2276Val)

Gene: PIEZO1 (piezo type mechanosensitive ion channel component 1 (Er blood group); minus strand). Cytogenetic location: 16q24.3.
Variant type: single nucleotide variant.
Coding change: c.6827C>T on transcript NM_001142864.4 (MANE Select); coding-DNA position 6827, C replaced by T.
Protein change: p.Ala2276Val; replaces alanine 2276 with valine.
Molecular consequence: missense variant.
Genome position (GRCh38, 1-based): chr16:88,716,658, G>A on the plus strand (C>T on the coding strand, the complement: PIEZO1 is on the minus strand). VCF-style: chr16-88716658-G-A. GRCh37 (hg19) VCF-style: chr16-88783066-G-A.
Other names: p.Ala2276Val; c.5369C>T, p.Ala1790Val (NM_014745.1); c.6827C>T (NM_001142864.3); short protein forms A1790V, A2276V.
Identifiers: ClinVar variation 2226853 (VCV002226853.9), dbSNP rs542776862, ClinGen allele CA8231475.